The following is an entry in ClinVar:

ClinVar aggregate classification (germline): Likely benign (1 of 4 stars; one submission).

Allele frequency attached by ClinVar (database versions not stated): gnomAD 0.00131; ESP Exome Variant Server 0.00144; TOPMed 0.00144; gnomAD exomes 0.00179; 1000 Genomes Project 0.00040; 1000 Genomes Project 30x 0.00047; ExAC 0.00121.
gnomAD v4.1: 2,800 of 1,610,258 alleles (0.17%); highest among the groups gnomAD compares: Non-Finnish European, 0.22%; 4 homozygotes.

Submission:

CeGaT Center for Human Genetics Tuebingen
Classification: Likely benign. Last evaluated: 2022-08-01. Review status: criteria provided, single submitter. Criteria: CeGaT Center For Human Genetics Tuebingen Variant Classification Criteria Version 2. Collection method: clinical testing. Allele origin: germline. Affected: yes. Observed: 2 variant alleles.
Comment: DPYSL3: BP4, BP7

NM_001197294.2(DPYSL3):c.627G>A (p.Ala209=)

Gene: DPYSL3 (dihydropyrimidinase like 3; minus strand). Cytogenetic location: 5q32.
Variant type: single nucleotide variant.
Coding change: c.627G>A on transcript NM_001197294.2 (MANE Select); coding-DNA position 627, G replaced by A.
Protein change: p.Ala209=; no amino-acid change (alanine 209 retained).
Molecular consequence: synonymous variant.
Genome position (GRCh38, 1-based): chr5:147,418,475, C>T on the plus strand (G>A on the coding strand, the complement: DPYSL3 is on the minus strand). VCF-style: chr5-147418475-C-T. GRCh37 (hg19) VCF-style: chr5-146798038-C-T.
Other names: c.285G>A, p.Ala95= (NM_001387.3).
Identifiers: ClinVar variation 2655891 (VCV002655891.24), dbSNP rs201521252, ClinGen allele CA3493912.